The following is an entry in ClinVar:

ClinVar aggregate classification (germline): Likely benign. Review status: criteria provided, multiple submitters, no conflicts (2 of 4 stars). 2 submissions from 2 submitters: Likely benign (2). Last evaluated 2026-05-06.

Conditions:
REEP1-related disorder. Also called: REEP1-related condition.
Hereditary spastic paraplegia 31. Also called: SPASTIC PARAPLEGIA 31, AUTOSOMAL DOMINANT. Identifiers: Orphanet 101011, MedGen C1853247, MONDO:0012453, OMIM 610250.

Allele frequency attached by ClinVar (database versions not stated): ExAC 0.00001; gnomAD exomes 0.00001.
gnomAD v4.1: 15 of 1,613,712 alleles (0.00093%); highest among the groups gnomAD compares: East Asian, 0.0045%; no homozygotes.

Submissions (2):

PreventionGenetics, part of Exact Sciences
Classification: Likely benign for REEP1-related condition. Last evaluated: 2026-05-06. Review status: criteria provided, single submitter. Criteria: ACMG Guidelines, 2015. Collection method: clinical testing. Allele origin: germline.
Comment: This variant is classified as likely benign based on ACMG/AMP sequence variant interpretation guidelines (Richards et al. 2015 PMID: 25741868, with internal and published modifications).

Labcorp Genetics (formerly Invitae), Labcorp
Classification: Likely benign for Hereditary spastic paraplegia 31. Last evaluated: 2024-06-24. Review status: criteria provided, single submitter. Criteria: Invitae Variant Classification Sherloc (09022015). Collection method: clinical testing. Allele origin: germline.

NM_001371279.1(REEP1):c.387C>T (p.Ala129=)

Gene: REEP1 (receptor accessory protein 1; minus strand). Cytogenetic location: 2p11.2.
Variant type: single nucleotide variant.
Coding change: c.387C>T on transcript NM_001371279.1 (MANE Select); coding-DNA position 387, C replaced by T.
Protein change: p.Ala129=; no amino-acid change (alanine 129 retained).
Molecular consequence: synonymous variant. On other transcripts: intron variant (1).
Genome position (GRCh38, 1-based): chr2:86,251,987, G>A on the plus strand (C>T on the coding strand, the complement: REEP1 is on the minus strand). VCF-style: chr2-86251987-G-A. GRCh37 (hg19) VCF-style: chr2-86479110-G-A.
Other names: c.408C>T, p.Ala136= (NM_001164730.2); c.306C>T, p.Ala102= (NM_001164731.2); c.387C>T, p.Ala129= (NM_001371280.1, NM_001410855.1, NM_001410856.1 and 1 more transcripts); c.182+11978C>T (NM_001164732.2).
Identifiers: ClinVar variation 2139841 (VCV002139841.5), dbSNP rs759952241, ClinGen allele CA1748758.
Genomic context (GRCh38, chr2:86,251,987, plus strand): 5'-CATGTAGTTGTGGTACTTCCAGCACAGTACCTTGGAAGCAGCCATCACAGCCGCTGTGGC[G>A]GCCACGTTCAAGCCCCGCTTCCCGAAGTGCACAAGGGCATCGTAACTTCGGTCTTTTGCT-3'
Protein context (NP_001358208.1, residues 119-139): VHFGKRGLNV[Ala129=]ATAAVMAASK